The following is an entry in ClinVar:

ClinVar aggregate classification (germline): Uncertain significance (1 of 4 stars; one submission).

Conditions:
Combined oxidative phosphorylation defect type 27. Also called: Combined oxidative phosphorylation deficiency 27. Identifiers: Orphanet 477774, MedGen C5567608, MONDO:0014728, OMIM 616672.

Allele frequency attached by ClinVar (database versions not stated): TOPMed below 0.00001.

Submission:

Labcorp Genetics (formerly Invitae), Labcorp
Classification: Uncertain significance for Combined oxidative phosphorylation defect type 27. Last evaluated: 2023-08-17. Review status: criteria provided, single submitter. Criteria: Invitae Variant Classification Sherloc (09022015). Collection method: clinical testing. Allele origin: germline.
Comment: This variant has not been reported in the literature in individuals affected with CARS2-related conditions. ClinVar contains an entry for this variant (Variation ID: 2013027). Advanced modeling of protein sequence and biophysical properties (such as structural, functional, and spatial information, amino acid conservation, physicochemical variation, residue mobility, and thermodynamic stability) performed at Invitae indicates that this missense variant is not expected to disrupt CARS2 protein function. In summary, the available evidence is currently insufficient to determine the role of this variant in disease. Therefore, it has been classified as a Variant of Uncertain Significance. This variant is not present in population databases (gnomAD no frequency). This sequence change replaces valine, which is neutral and non-polar, with alanine, which is neutral and non-polar, at codon 115 of the CARS2 protein (p.Val115Ala).

NM_024537.4(CARS2):c.344T>C (p.Val115Ala)

Gene: CARS2 (cysteinyl-tRNA synthetase 2, mitochondrial; minus strand). Cytogenetic location: 13q34.
Variant type: single nucleotide variant.
Coding change: c.344T>C on transcript NM_024537.4 (MANE Select); coding-DNA position 344, T replaced by C.
Protein change: p.Val115Ala; replaces valine 115 with alanine.
Molecular consequence: missense variant. On other transcripts: 5 prime UTR variant (1), non-coding transcript variant (2).
Genome position (GRCh38, 1-based): chr13:110,701,487, A>G on the plus strand (T>C on the coding strand, the complement: CARS2 is on the minus strand). VCF-style: chr13-110701487-A-G. GRCh37 (hg19) VCF-style: chr13-111353834-A-G.
Other names: c.-656T>C (NM_001352252.2); c.344T>C, p.Val115Ala (NM_001352253.3); short protein forms V115A.
Identifiers: ClinVar variation 2013027 (VCV002013027.4), dbSNP rs2063783322, ClinGen allele CA388741057.